The following is an entry in ClinVar:

NM_005732.4(RAD50):c.1300G>A (p.Asp434Asn)

Gene: RAD50 (RAD50 double strand break repair protein; plus strand). Cytogenetic location: 5q31.1.
Variant type: single nucleotide variant.
Coding change: c.1300G>A on transcript NM_005732.4 (MANE Select); coding-DNA position 1300, G replaced by A.
Protein change: p.Asp434Asn; replaces aspartic acid 434 with asparagine.
Molecular consequence: missense variant.
Genome position (GRCh38, 1-based): chr5:132,589,685, G>A. VCF-style: chr5-132589685-G-A. GRCh37 (hg19) VCF-style: chr5-131925377-G-A.
Other names: short protein forms D434N.
Identifiers: ClinVar variation 862101 (VCV000862101.10), dbSNP rs1750662646, ClinGen allele CA360943721.

ClinVar aggregate classification (germline): Uncertain significance (1 of 4 stars; one submission).

Conditions:
Hereditary cancer-predisposing syndrome. Also called: Tumor predisposition; Hereditary neoplastic syndrome; Neoplastic Syndromes, Hereditary; Hereditary Cancer Syndrome. Identifiers: Orphanet 140162, MedGen C0027672, MeSH D009386, MONDO:0015356.

Allele frequency attached by ClinVar (database versions not stated): TOPMed below 0.00001.

Submission:

Labcorp Genetics (formerly Invitae), Labcorp
Classification: Uncertain significance for Hereditary cancer-predisposing syndrome. Last evaluated: 2021-08-24. Review status: criteria provided, single submitter. Criteria: Invitae Variant Classification Sherloc (09022015). Collection method: clinical testing. Allele origin: germline.
Comment: In summary, the available evidence is currently insufficient to determine the role of this variant in disease. Therefore, it has been classified as a Variant of Uncertain Significance. Algorithms developed to predict the effect of missense changes on protein structure and function are either unavailable or do not agree on the potential impact of this missense change (SIFT: "Tolerated"; PolyPhen-2: "Possibly Damaging"; Align-GVGD: "Class C0"). This variant has not been reported in the literature in individuals with RAD50-related conditions. This variant is not present in population databases (ExAC no frequency). This sequence change replaces aspartic acid with asparagine at codon 434 of the RAD50 protein (p.Asp434Asn). The aspartic acid residue is moderately conserved and there is a small physicochemical difference between aspartic acid and asparagine.